The following is an entry in ClinVar:

ClinVar aggregate classification (germline): Uncertain significance. Review status: criteria provided, multiple submitters, no conflicts (2 of 4 stars). 3 submissions from 3 submitters: Uncertain significance (3). Last evaluated 2025-08-14.

Conditions:
Inborn genetic diseases. Identifiers: MedGen C0950123, MeSH D030342.
Welander distal myopathy (WDM). Also called: Gower's muscular dystrophy; MUSCULAR DYSTROPHY, DISTAL, LATE-ONSET, AUTOSOMAL DOMINANT; Welander distal myopathy, Swedish type; Distal myopathy, Swedish type. Identifiers: Orphanet 603, MedGen C0221054, MONDO:0011466, OMIM 604454.

Allele frequency attached by ClinVar (database versions not stated): gnomAD 0.00009; TOPMed 0.00014; 1000 Genomes Project 30x 0.00031; 1000 Genomes Project 0.00040; ExAC 0.00001; gnomAD exomes 0.00001.

Submissions (3):

Ambry Genetics
Classification: Uncertain significance for Inborn genetic diseases. Last evaluated: 2025-08-14. Review status: criteria provided, single submitter. Criteria: Ambry Variant Classification Scheme 2023. Collection method: clinical testing. Allele origin: germline.

Labcorp Genetics (formerly Invitae), Labcorp
Classification: Uncertain significance for Welander distal myopathy. Last evaluated: 2025-05-28. Review status: criteria provided, single submitter. Criteria: Invitae Variant Classification Sherloc (09022015). Collection method: clinical testing. Allele origin: germline.
Comment: This sequence change replaces glutamic acid, which is acidic and polar, with lysine, which is basic and polar, at codon 52 of the TIA1 protein (p.Glu52Lys). This variant is present in population databases (rs183810707, gnomAD 0.009%). This missense change has been observed in individual(s) with clinical features of TIA1-related conditions (internal data). It has also been observed to segregate with disease in related individuals. ClinVar contains an entry for this variant (Variation ID: 1004185). Invitae Evidence Modeling of protein sequence and biophysical properties (such as structural, functional, and spatial information, amino acid conservation, physicochemical variation, residue mobility, and thermodynamic stability) indicates that this missense variant is not expected to disrupt TIA1 protein function with a negative predictive value of 80%. In summary, the available evidence is currently insufficient to determine the role of this variant in disease. Therefore, it has been classified as a Variant of Uncertain Significance.

Mayo Clinic Laboratories, Mayo Clinic
Classification: Uncertain significance. Last evaluated: 2025-04-22. Review status: criteria provided, single submitter. Criteria: ACMG Guidelines, 2015. Collection method: clinical testing. Allele origin: germline. Observed: 1 variant allele.
Comment: PM2_supporting

NM_022173.4(TIA1):c.154G>A (p.Glu52Lys)

Gene: TIA1 (TIA1 cytotoxic granule associated RNA binding protein; minus strand). Cytogenetic location: 2p13.3.
Variant type: single nucleotide variant.
Coding change: c.154G>A on transcript NM_022173.4 (MANE Select); coding-DNA position 154, G replaced by A.
Protein change: p.Glu52Lys; replaces glutamic acid 52 with lysine.
Molecular consequence: missense variant. On other transcripts: 5 prime UTR variant (6), non-coding transcript variant (17).
Genome position (GRCh38, 1-based): chr2:70,230,824, C>T on the plus strand (G>A on the coding strand, the complement: TIA1 is on the minus strand). VCF-style: chr2-70230824-C-T. GRCh37 (hg19) VCF-style: chr2-70457956-C-T.
Other names: p.Glu52Lys; c.154G>A, p.Glu52Lys (NM_001351508.2, NM_001351510.2, NM_001351516.2 and 5 more transcripts); c.160G>A, p.Glu54Lys (NM_001351509.2, NM_001351520.2); c.43G>A, p.Glu15Lys (NM_001351511.1, NM_001351513.1); c.49G>A, p.Glu17Lys (NM_001351512.1); c.-42G>A (NM_001351514.2, NM_001351523.2); c.-236G>A (NM_001351515.2); c.-485G>A (NM_001351517.2); and 3 more; short protein forms E15K, E17K, E52K, E54K.
Identifiers: ClinVar variation 1004185 (VCV001004185.9), dbSNP rs183810707, ClinGen allele CA1697713.